The following is an entry in ClinVar:

ClinVar aggregate classification (germline): Uncertain significance (1 of 4 stars; one submission).

Conditions:
PHF12-related disorder. Also called: PHF12-related condition.

Allele frequency attached by ClinVar (database versions not stated): gnomAD exomes below 0.00001.
gnomAD v4.1: 1 of 1,605,914 alleles (0.000062%); highest among the groups gnomAD compares: Non-Finnish European, 0.000085%; no homozygotes.

Submission:

PreventionGenetics, part of Exact Sciences
Classification: Uncertain significance for PHF12-related condition. Last evaluated: 2023-06-27. Review status: criteria provided, single submitter. Criteria: ACMG Guidelines, 2015. Collection method: clinical testing. Allele origin: germline.
Comment: The PHF12 c.2704G>A variant is predicted to result in the amino acid substitution p.Asp902Asn. To our knowledge, this variant has not been reported in the literature or in a large population database, indicating this variant is rare. At this time, the clinical significance of this variant is uncertain due to the absence of conclusive functional and genetic evidence.

NM_001033561.2(PHF12):c.2704G>A (p.Asp902Asn)

Gene: PHF12 (PHD finger protein 12; minus strand). Cytogenetic location: 17q11.2.
Variant type: single nucleotide variant.
Coding change: c.2704G>A on transcript NM_001033561.2 (MANE Select); coding-DNA position 2704, G replaced by A.
Protein change: p.Asp902Asn; replaces aspartic acid 902 with asparagine.
Molecular consequence: missense variant. On other transcripts: 3 prime UTR variant (1).
Genome position (GRCh38, 1-based): chr17:28,906,494, C>T on the plus strand (G>A on the coding strand, the complement: PHF12 is on the minus strand). VCF-style: chr17-28906494-C-T. GRCh37 (hg19) VCF-style: chr17-27233512-C-T.
Other names: c.*3541G>A (NM_001290131.2); short protein forms D902N.
Identifiers: ClinVar variation 2633248 (VCV002633248.1), dbSNP rs2039873579, ClinGen allele CA398436670.